The following is an entry in ClinVar:

NM_005094.4(SLC27A4):c.863del (p.Leu288fs)

Gene: SLC27A4 (solute carrier family 27 member 4; plus strand). Cytogenetic location: 9q34.11.
Variant type: Deletion.
Coding change: c.863del on transcript NM_005094.4 (MANE Select); coding-DNA position 863, one base deleted (T; older notation c.863delT).
Protein change: p.Leu288fs; shifts the reading frame from leucine 288.
Molecular consequence: frameshift variant.
Genome position (GRCh38, 1-based): chr9:128,350,561, T deleted. VCF-style (leftmost placement, unchanged base first): chr9-128350560-CT-C. GRCh37 (hg19) VCF-style: chr9-131112839-CT-C.
Other names: short protein forms L288fs.
Identifiers: ClinVar variation 2866939 (VCV002866939.3), dbSNP rs2539458046, ClinGen allele CA2739265082.
Genomic context (GRCh38, chr9:128,350,560, plus strand): 5'-GCCCTGGTGTACTATGGATTCCGCATGCGGCCCAACGACATCGTCTATGACTGCCTCCCC[CT>C]CTACCACTCAGCAGGTAACTCTAGGGCTGTCACACAGCCTCCAGCACCTGCCAGGTCTCT-3'

ClinVar aggregate classification (germline): Pathogenic (1 of 4 stars; one submission).

Submission:

Labcorp Genetics (formerly Invitae), Labcorp
Classification: Pathogenic. Last evaluated: 2023-05-22. Review status: criteria provided, single submitter. Criteria: Invitae Variant Classification Sherloc (09022015). Collection method: clinical testing. Allele origin: germline.
Comment: This sequence change creates a premature translational stop signal (p.Leu288Profs*19) in the SLC27A4 gene. It is expected to result in an absent or disrupted protein product. Loss-of-function variants in SLC27A4 are known to be pathogenic (PMID: 19631310, 21450060). This variant is not present in population databases (gnomAD no frequency). For these reasons, this variant has been classified as Pathogenic. This variant has not been reported in the literature in individuals affected with SLC27A4-related conditions.

Literature cited by the submitters: PubMed 19631310; PubMed 21450060.